The following is an entry in ClinVar:

NM_001101426.4(CRPPA):c.13C>T (p.Pro5Ser)

Genes: CRPPA (CDP-L-ribitol pyrophosphorylase A; minus strand), LOC129998005 (ATAC-STARR-seq lymphoblastoid silent region 17982; plus strand). Cytogenetic location: 7p21.2.
Variant type: single nucleotide variant.
Coding change: c.13C>T on transcript NM_001101426.4 (MANE Select); coding-DNA position 13, C replaced by T.
Protein change: p.Pro5Ser; replaces proline 5 with serine.
Molecular consequence: missense variant. On other transcripts: non-coding transcript variant (1).
Genome position (GRCh38, 1-based): chr7:16,421,310, G>A on the plus strand (C>T on the coding strand, the complement: CRPPA is on the minus strand). VCF-style: chr7-16421310-G-A. GRCh37 (hg19) VCF-style: chr7-16460935-G-A.
Other names: c.13C>T, p.Pro5Ser (NM_001101417.4, NM_001368197.1); short protein forms P5S.
Identifiers: ClinVar variation 540372 (VCV000540372.10), dbSNP rs1037010291, ClinGen allele CA154766879.

ClinVar aggregate classification (germline): Uncertain significance. Review status: criteria provided, multiple submitters, no conflicts (2 of 4 stars). 2 submissions from 2 submitters: Uncertain significance (2). Last evaluated 2024-06-03.

Conditions:
Muscular dystrophy-dystroglycanopathy (congenital with brain and eye anomalies), type A, 7. Also called: WALKER-WARBURG SYNDROME OR MUSCLE-EYE-BRAIN DISEASE, ISPD-RELATED; Congenital muscular dystrophy-dystroglycanopathy with brain and eye anomalies, type A7. Identifiers: Orphanet 899, MedGen C3553330, MONDO:0013835, OMIM 614643.
Autosomal recessive limb-girdle muscular dystrophy type 2U. Also called: Muscular dystrophy-dystroglycanopathy (limb-girdle), type c, 7; MUSCULAR DYSTROPHY, LIMB-GIRDLE, TYPE 2U. Identifiers: Orphanet 352479, MedGen C5190987, MONDO:0014474, OMIM 616052.

Allele frequency attached by ClinVar (database versions not stated): gnomAD exomes below 0.00001; gnomAD 0.00001; TOPMed 0.00002.

Submissions (2):

Ambry Genetics
Classification: Uncertain significance. Last evaluated: 2024-06-03. Review status: criteria provided, single submitter. Criteria: Ambry Variant Classification Scheme 2023. Collection method: clinical testing. Allele origin: germline.

Labcorp Genetics (formerly Invitae), Labcorp
Classification: Uncertain significance for Muscular dystrophy-dystroglycanopathy (congenital with brain and eye anomalies), type A, 7; Autosomal recessive limb-girdle muscular dystrophy type 2U. Last evaluated: 2022-09-13. Review status: criteria provided, single submitter. Criteria: Invitae Variant Classification Sherloc (09022015). Collection method: clinical testing. Allele origin: germline.
Comment: ClinVar contains an entry for this variant (Variation ID: 540372). This variant has not been reported in the literature in individuals affected with ISPD-related conditions. This variant is not present in population databases (gnomAD no frequency). This sequence change replaces proline, which is neutral and non-polar, with serine, which is neutral and polar, at codon 5 of the ISPD protein (p.Pro5Ser). Algorithms developed to predict the effect of missense changes on protein structure and function are either unavailable or do not agree on the potential impact of this missense change (SIFT: "Deleterious"; PolyPhen-2: "Benign"; Align-GVGD: "Class C0"). In summary, the available evidence is currently insufficient to determine the role of this variant in disease. Therefore, it has been classified as a Variant of Uncertain Significance.